The following is an entry in ClinVar:

ClinVar aggregate classification (germline): Conflicting classifications of pathogenicity. Review status: criteria provided, conflicting classifications (1 of 4 stars). 2 submissions from 2 submitters: Uncertain significance (1); Likely benign (1). Last evaluated 2022-11-10.

Conditions:
Hereditary cancer-predisposing syndrome. Also called: Neoplastic Syndromes, Hereditary; Hereditary Cancer Syndrome; Hereditary neoplastic syndrome; Tumor predisposition. Identifiers: Orphanet 140162, MedGen C0027672, MeSH D009386, MONDO:0015356.
Tumor predisposition syndrome 3 (TPDS3). Also called: Glioma susceptibility 9; LONG TELOMERE SYNDROME, POT1-RELATED; POT1 Tumor Predisposition; Melanoma, cutaneous malignant, susceptibility to, 10. Identifiers: Orphanet 618, MedGen C4014476, MONDO:0014368, OMIM 615848.

Allele frequency attached by ClinVar (database versions not stated): gnomAD exomes below 0.00001; TOPMed below 0.00001; gnomAD 0.00001.
gnomAD v4.1: 2 of 1,479,082 alleles (0.00014%); highest among the groups gnomAD compares: Non-Finnish European, 0.00018%; no homozygotes.

Submissions (2):

Ambry Genetics
Classification: Likely benign for Hereditary cancer-predisposing syndrome. Last evaluated: 2022-11-10. Review status: criteria provided, single submitter. Criteria: Ambry Variant Classification Scheme 2023. Collection method: clinical testing. Allele origin: germline.

Labcorp Genetics (formerly Invitae), Labcorp
Classification: Uncertain significance for Tumor predisposition syndrome 3. Last evaluated: 2021-05-18. Review status: criteria provided, single submitter. Criteria: Invitae Variant Classification Sherloc (09022015). Collection method: clinical testing. Allele origin: germline.
Comment: This sequence change replaces isoleucine with threonine at codon 10 of the POT1 protein (p.Ile10Thr). The isoleucine residue is weakly conserved and there is a moderate physicochemical difference between isoleucine and threonine. In summary, the available evidence is currently insufficient to determine the role of this variant in disease. Therefore, it has been classified as a Variant of Uncertain Significance. Algorithms developed to predict the effect of missense changes on protein structure and function output the following: SIFT: "Tolerated"; PolyPhen-2: "Benign"; Align-GVGD: "Class C0". The threonine amino acid residue is found in multiple mammalian species, suggesting that this missense change does not adversely affect protein function. These predictions have not been confirmed by published functional studies and their clinical significance is uncertain. This variant has not been reported in the literature in individuals with POT1-related conditions. This variant is not present in population databases (ExAC no frequency).

NM_015450.3(POT1):c.29T>C (p.Ile10Thr)

Gene: POT1 (protection of telomeres 1; minus strand). Cytogenetic location: 7q31.33.
Variant type: single nucleotide variant.
Coding change: c.29T>C on transcript NM_015450.3 (MANE Select); coding-DNA position 29, T replaced by C.
Protein change: p.Ile10Thr; replaces isoleucine 10 with threonine.
Molecular consequence: missense variant. On other transcripts: 5 prime UTR variant (1), non-coding transcript variant (3).
Genome position (GRCh38, 1-based): chr7:124,892,361, A>G on the plus strand (T>C on the coding strand, the complement: POT1 is on the minus strand). VCF-style: chr7-124892361-A-G. GRCh37 (hg19) VCF-style: chr7-124532415-A-G.
Other names: c.-234T>C (NM_001042594.2); c.29T>C (NM_015450.2); short protein forms I10T.
Identifiers: ClinVar variation 1520681 (VCV001520681.9), dbSNP rs1397305271, ClinGen allele CA369066267.
Genomic context (GRCh38, chr7:124,892,361, plus strand): 5'-TTCACAACACCATAGACATTGACAATTGTACCACCCTTAAGTTGATTCAGGGGTGTATAT[A>G]TATAATTTGTTGCTGGAACCTAAAGAAAGAGAAGACAGTGAATACATTTATACAAAGTAT-3'
Protein context (NP_056265.2, residues 1-20): MSLVPATNY[Ile10Thr]YTPLNQLKGG